The following is an entry in ClinVar:

NM_032119.4(ADGRV1):c.18146G>T (p.Gly6049Val)

Gene: ADGRV1 (adhesion G protein-coupled receptor V1; plus strand). Cytogenetic location: 5q14.3.
Variant type: single nucleotide variant.
Coding change: c.18146G>T on transcript NM_032119.4 (MANE Select); coding-DNA position 18146, G replaced by T.
Protein change: p.Gly6049Val; replaces glycine 6049 with valine.
Molecular consequence: missense variant. On other transcripts: non-coding transcript variant (1).
Genome position (GRCh38, 1-based): chr5:90,985,516, G>T. VCF-style: chr5-90985516-G-T. GRCh37 (hg19) VCF-style: chr5-90281333-G-T.
Other names: short protein forms G6049V.
Identifiers: ClinVar variation 2213109 (VCV002213109.3), dbSNP rs756325409, ClinGen allele CA3342564.

ClinVar aggregate classification (germline): Uncertain significance. Review status: criteria provided, multiple submitters, no conflicts (2 of 4 stars). 2 submissions from 2 submitters: Uncertain significance (2). Last evaluated 2023-03-02.

Conditions:
Inborn genetic diseases. Identifiers: MedGen C0950123, MeSH D030342.

Allele frequency attached by ClinVar (database versions not stated): ExAC 0.00001; gnomAD 0.00003; TOPMed 0.00003.
gnomAD v4.1: 56 of 1,613,060 alleles (0.0035%); highest among the groups gnomAD compares: Non-Finnish European, 0.0045%; no homozygotes.

Submissions (2):

GeneDx
Classification: Uncertain significance. Last evaluated: 2023-03-02. Review status: criteria provided, single submitter. Criteria: GeneDx Variant Classification Process June 2021. Collection method: clinical testing. Allele origin: germline. Affected: yes.
Comment: Not observed at significant frequency in large population cohorts (gnomAD); In silico analysis supports that this missense variant has a deleterious effect on protein structure/function; Has not been previously published as pathogenic or benign to our knowledge

Ambry Genetics
Classification: Uncertain significance for Inborn genetic diseases. Last evaluated: 2022-04-07. Review status: criteria provided, single submitter. Criteria: Ambry Variant Classification Scheme 2023. Collection method: clinical testing. Allele origin: germline.